The following is an entry in ClinVar:

NM_006648.4(WNK2):c.766C>T (p.Arg256Cys)

Gene: WNK2 (WNK lysine deficient protein kinase 2; plus strand). Cytogenetic location: 9q22.31.
Variant type: single nucleotide variant.
Coding change: c.766C>T on transcript NM_006648.4 (MANE Select); coding-DNA position 766, C replaced by T.
Protein change: p.Arg256Cys; replaces arginine 256 with cysteine.
Molecular consequence: missense variant.
Genome position (GRCh38, 1-based): chr9:93,229,780, C>T. VCF-style: chr9-93229780-C-T. GRCh37 (hg19) VCF-style: chr9-95992062-C-T.
Other names: c.766C>T, p.Arg256Cys (NM_001282394.3); short protein forms R256C.
Identifiers: ClinVar variation 3816739 (VCV003816739.1).

ClinVar aggregate classification (germline): Uncertain significance (1 of 4 stars; one submission).

gnomAD v4.1: 1 of 1,613,898 alleles (0.000062%); highest among the groups gnomAD compares: Non-Finnish European, 0.000085%; no homozygotes.

Submission:

Ambry Genetics
Classification: Uncertain significance. Last evaluated: 2025-01-05. Review status: criteria provided, single submitter. Criteria: Ambry Variant Classification Scheme 2023. Collection method: clinical testing. Allele origin: germline.
Comment: The p.R256C variant (also known as c.766C>T), located in coding exon 2 of the WNK2 gene, results from a C to T substitution at nucleotide position 766. The arginine at codon 256 is replaced by cysteine, an amino acid with highly dissimilar properties. This amino acid position is conserved. In addition, the in silico prediction for this alteration is inconclusive. Based on the available evidence, the clinical significance of this variant remains unclear.